The following is an entry in ClinVar:

NM_000094.4(COL7A1):c.8394G>A (p.Met2798Ile)

Gene: COL7A1 (collagen type VII alpha 1 chain; minus strand). Cytogenetic location: 3p21.31.
Variant type: single nucleotide variant.
Coding change: c.8394G>A on transcript NM_000094.4 (MANE Select); coding-DNA position 8394, G replaced by A.
Protein change: p.Met2798Ile; replaces methionine 2798 with isoleucine.
Molecular consequence: missense variant.
Genome position (GRCh38, 1-based): chr3:48,566,280, C>T on the plus strand (G>A on the coding strand, the complement: COL7A1 is on the minus strand). VCF-style: chr3-48566280-C-T. GRCh37 (hg19) VCF-style: chr3-48603713-C-T.
Other names: short protein forms M2798I.
Identifiers: ClinVar variation 2146796 (VCV002146796.3), dbSNP rs961231554, ClinGen allele CA73970625.

ClinVar aggregate classification (germline): Uncertain significance (1 of 4 stars; one submission).

Allele frequency attached by ClinVar (database versions not stated): gnomAD exomes below 0.00001; gnomAD 0.00001; TOPMed 0.00002.
gnomAD v4.1: 4 of 1,602,192 alleles (0.00025%); highest among the groups gnomAD compares: African/African-American, 0.004%; no homozygotes.

Submission:

Labcorp Genetics (formerly Invitae), Labcorp
Classification: Uncertain significance. Last evaluated: 2025-07-13. Review status: criteria provided, single submitter. Criteria: Invitae Variant Classification Sherloc (09022015). Collection method: clinical testing. Allele origin: germline.
Comment: This sequence change replaces methionine, which is neutral and non-polar, with isoleucine, which is neutral and non-polar, at codon 2798 of the COL7A1 protein (p.Met2798Ile). This variant is not present in population databases (gnomAD no frequency). This variant has not been reported in the literature in individuals affected with COL7A1-related conditions. ClinVar contains an entry for this variant (Variation ID: 2146796). Invitae Evidence Modeling of protein sequence and biophysical properties (such as structural, functional, and spatial information, amino acid conservation, physicochemical variation, residue mobility, and thermodynamic stability) has been performed for this missense variant. However, the output from this modeling did not meet the statistical confidence thresholds required to predict the impact of this variant on COL7A1 protein function. This variant disrupts the p.Met2798 amino acid residue in COL7A1. Other variant(s) that disrupt this residue have been determined to be pathogenic (PMID: 8513326, 34435747). This suggests that this residue is clinically significant, and that variants that disrupt this residue are likely to be disease-causing. In summary, the available evidence is currently insufficient to determine the role of this variant in disease. Therefore, it has been classified as a Variant of Uncertain Significance.

Literature cited by the submitters: PubMed 8513326; PubMed 34435747.